The following is an entry in ClinVar:

NM_014845.6(FIG4):c.1168C>G (p.Leu390Val)

Gene: FIG4 (FIG4 phosphoinositide 5-phosphatase; plus strand). Cytogenetic location: 6q21.
Variant type: single nucleotide variant.
Coding change: c.1168C>G on transcript NM_014845.6 (MANE Select); coding-DNA position 1168, C replaced by G.
Protein change: p.Leu390Val; replaces leucine 390 with valine.
Molecular consequence: missense variant.
Genome position (GRCh38, 1-based): chr6:109,760,280, C>G. VCF-style: chr6-109760280-C-G. GRCh37 (hg19) VCF-style: chr6-110081483-C-G.
Other names: short protein forms L390V.
Identifiers: ClinVar variation 1738696 (VCV001738696.3), dbSNP rs2486171536, ClinGen allele CA365225103.

ClinVar aggregate classification (germline): Uncertain significance. Review status: criteria provided, multiple submitters, no conflicts (2 of 4 stars). 2 submissions from 2 submitters: Uncertain significance (2). Last evaluated 2025-02-24.

Conditions:
Inborn genetic diseases. Identifiers: MedGen C0950123, MeSH D030342.

Submissions (2):

GeneDx
Classification: Uncertain significance. Last evaluated: 2025-02-24. Review status: criteria provided, single submitter. Criteria: GeneDx Variant Classification Process June 2021. Collection method: clinical testing. Allele origin: germline. Affected: yes.
Comment: Not observed at significant frequency in large population cohorts (gnomAD); In silico analysis supports that this missense variant has a deleterious effect on protein structure/function; Has not been previously published as pathogenic or benign to our knowledge; This variant is associated with the following publications: (PMID: 24598713)

Ambry Genetics
Classification: Uncertain significance for Inborn genetic diseases. Last evaluated: 2019-12-19. Review status: criteria provided, single submitter. Criteria: Ambry Variant Classification Scheme 2023. Collection method: clinical testing. Allele origin: germline.
Comment: The p.L390V variant (also known as c.1168C>G), located in coding exon 11 of the FIG4 gene, results from a C to G substitution at nucleotide position 1168. The leucine at codon 390 is replaced by valine, an amino acid with highly similar properties. This amino acid position is highly conserved in available vertebrate species. In addition, this alteration is predicted to be deleterious by in silico analysis. Since supporting evidence is limited at this time, the clinical significance of this alteration remains unclear.